The following is an entry in ClinVar:

ClinVar aggregate classification (germline): Uncertain significance (1 of 4 stars; one submission).

Submission:

Labcorp Genetics (formerly Invitae), Labcorp
Classification: Uncertain significance. Last evaluated: 2024-02-01. Review status: criteria provided, single submitter. Criteria: Invitae Variant Classification Sherloc (09022015). Collection method: clinical testing. Allele origin: germline.
Comment: This sequence change replaces glycine, which is neutral and non-polar, with arginine, which is basic and polar, at codon 597 of the ITGAM protein (p.Gly597Arg). This variant is not present in population databases (gnomAD no frequency). This variant has not been reported in the literature in individuals affected with ITGAM-related conditions. An algorithm developed to predict the effect of missense changes on protein structure and function (PolyPhen-2) suggests that this variant is likely to be disruptive. In summary, the available evidence is currently insufficient to determine the role of this variant in disease. Therefore, it has been classified as a Variant of Uncertain Significance.

NM_000632.4(ITGAM):c.1789G>A (p.Gly597Arg)

Gene: ITGAM (integrin subunit alpha M; plus strand). Cytogenetic location: 16p11.2.
Variant type: single nucleotide variant.
Coding change: c.1789G>A on transcript NM_000632.4 (MANE Select); coding-DNA position 1789, G replaced by A.
Protein change: p.Gly597Arg; replaces glycine 597 with arginine.
Molecular consequence: missense variant.
Genome position (GRCh38, 1-based): chr16:31,321,322, G>A. VCF-style: chr16-31321322-G-A. GRCh37 (hg19) VCF-style: chr16-31332643-G-A.
Other names: c.1792G>A, p.Gly598Arg (NM_001145808.2); short protein forms G597R, G598R.
Identifiers: ClinVar variation 3638170 (VCV003638170.2).
Genomic context (GRCh38, chr16:31,321,322, plus strand): 5'-TCTCCCAGGCTCCAGTATTTTGGTCAGTCACTGAGTGGGGGCCAGGACCTCACAATGGAT[G>A]GACTGGTAGACCTGACTGTAGGAGCCCAGGGGCACGTGCTGCTGCTCAGGTGAGAATGCC-3'
Protein context (NP_000623.2, residues 587-607): LSGGQDLTMD[Gly597Arg]LVDLTVGAQG